The following is an entry in ClinVar:

ClinVar aggregate classification (germline): Likely benign. Review status: criteria provided, multiple submitters, no conflicts (2 of 4 stars). 2 submissions from 2 submitters: Likely benign (2). Last evaluated 2025-10-01.

Allele frequency attached by ClinVar (database versions not stated): TOPMed 0.00002; gnomAD 0.00005; ExAC 0.00010; 1000 Genomes Project 30x 0.00016; 1000 Genomes Project 0.00020.
gnomAD v4.1: 89 of 1,613,902 alleles (0.0055%); highest among the groups gnomAD compares: Non-Finnish European, 0.0064%; 1 homozygote.

Submissions (2):

CeGaT Center for Human Genetics Tuebingen
Classification: Likely benign. Last evaluated: 2025-10-01. Review status: criteria provided, single submitter. Criteria: CeGaT Center For Human Genetics Tuebingen Variant Classification Criteria Version 2. Collection method: clinical testing. Allele origin: germline. Affected: yes. Observed: 1 variant allele.
Comment: RERE: BP4, BP7

Labcorp Genetics (formerly Invitae), Labcorp
Classification: Likely benign. Last evaluated: 2023-04-03. Review status: criteria provided, single submitter. Criteria: Invitae Variant Classification Sherloc (09022015). Collection method: clinical testing. Allele origin: germline.

NM_001042681.2(RERE):c.201C>T (p.Thr67=)

Gene: RERE (arginine-glutamic acid dipeptide repeats; minus strand). Cytogenetic location: 1p36.23.
Variant type: single nucleotide variant.
Coding change: c.201C>T on transcript NM_001042681.2 (MANE Select); coding-DNA position 201, C replaced by T.
Protein change: p.Thr67=; no amino-acid change (threonine 67 retained).
Molecular consequence: synonymous variant.
Genome position (GRCh38, 1-based): chr1:8,656,097, G>A on the plus strand (C>T on the coding strand, the complement: RERE is on the minus strand). VCF-style: chr1-8656097-G-A. GRCh37 (hg19) VCF-style: chr1-8716156-G-A.
Other names: c.201C>T, p.Thr67= (NM_012102.4).
Identifiers: ClinVar variation 2726862 (VCV002726862.9), dbSNP rs568669921, ClinGen allele CA572148.
Genomic context (GRCh38, chr1:8,656,097, plus strand): 5'-TTCATAACGAGACTTTTTTTTCGGTGGTTTCTTCTTATTCTTCTTCGTGGACTCCTCTGC[G>A]GTGGCACTATTGTTGTCATTGTCCTCGTCTTCACTGTGATCACTCTCAGCATAATTTTTG-3'
Protein context (NP_001036146.1, residues 57-77): EDEDNDNNSA[Thr67=]AEESTKKNKK